The following is an entry in ClinVar:

ClinVar aggregate classification (germline): Pathogenic (1 of 4 stars; one submission).

Conditions:
Alkaptonuria (AKU). Also called: Alcaptonuria; Homogentisic acidura; HOMOGENTISIC ACID OXIDASE DEFICIENCY; Alkaptonuric ochronosis. Identifiers: Orphanet 56, MedGen C0002066, MONDO:0008753, OMIM 203500.

Allele frequency attached by ClinVar (database versions not stated): TOPMed 0.00001.
gnomAD v4.1: 2 of 1,603,616 alleles (0.00012%); highest among the groups gnomAD compares: Admixed American, 0.0033%; no homozygotes.

Submission:

Labcorp Genetics (formerly Invitae), Labcorp
Classification: Pathogenic for Alkaptonuria. Last evaluated: 2023-11-04. Review status: criteria provided, single submitter. Criteria: Invitae Variant Classification Sherloc (09022015). Collection method: clinical testing. Allele origin: germline.
Comment: This sequence change creates a premature translational stop signal (p.Trp85*) in the HGD gene. It is expected to result in an absent or disrupted protein product. Loss-of-function variants in HGD are known to be pathogenic (PMID: 12501223, 19862842). This variant is present in population databases (no rsID available, gnomAD 0.006%). This variant has not been reported in the literature in individuals affected with HGD-related conditions. For these reasons, this variant has been classified as Pathogenic.

Literature cited by the submitters: PubMed 12501223; PubMed 19862842.

NM_000187.4(HGD):c.255G>A (p.Trp85Ter)

Gene: HGD (homogentisate 1,2-dioxygenase; minus strand). Cytogenetic location: 3q13.33.
Variant type: single nucleotide variant.
Coding change: c.255G>A on transcript NM_000187.4 (MANE Select); coding-DNA position 255, G replaced by A.
Protein change: p.Trp85Ter; replaces tryptophan 85 with a stop codon.
Molecular consequence: nonsense.
Genome position (GRCh38, 1-based): chr3:120,670,454, C>T on the plus strand (G>A on the coding strand, the complement: HGD is on the minus strand). VCF-style: chr3-120670454-C-T. GRCh37 (hg19) VCF-style: chr3-120389301-C-T.
Other names: short protein forms W85*.
Identifiers: ClinVar variation 3002936 (VCV003002936.3), dbSNP rs1291206526, ClinGen allele CA354081201.